The following is an entry in ClinVar:

NM_014141.6(CNTNAP2):c.369C>T (p.Asn123=)

Gene: CNTNAP2 (contactin associated protein 2; plus strand). Cytogenetic location: 7q35.
Variant type: single nucleotide variant.
Coding change: c.369C>T on transcript NM_014141.6 (MANE Select); coding-DNA position 369, C replaced by T.
Protein change: p.Asn123=; no amino-acid change (asparagine 123 retained).
Molecular consequence: synonymous variant.
Genome position (GRCh38, 1-based): chr7:146,839,871, C>T. VCF-style: chr7-146839871-C-T. GRCh37 (hg19) VCF-style: chr7-146536963-C-T.
Identifiers: ClinVar variation 2658136 (VCV002658136.24), dbSNP rs1803686011, ClinGen allele CA458490846.

ClinVar aggregate classification (germline): Likely benign (1 of 4 stars; one submission).

Submission:

CeGaT Center for Human Genetics Tuebingen
Classification: Likely benign. Last evaluated: 2022-05-01. Review status: criteria provided, single submitter. Criteria: CeGaT Center For Human Genetics Tuebingen Variant Classification Criteria Version 2. Collection method: clinical testing. Allele origin: germline. Affected: yes. Observed: 1 variant allele.
Comment: CNTNAP2: PM2:Supporting, BP4, BP7